The following is an entry in ClinVar:

NM_000258.3(MYL3):c.420C>T (p.Phe140=)

Gene: MYL3 (myosin light chain 3; minus strand). Cytogenetic location: 3p21.31.
Variant type: single nucleotide variant.
Coding change: c.420C>T on transcript NM_000258.3 (MANE Select); coding-DNA position 420, C replaced by T.
Protein change: p.Phe140=; no amino-acid change (phenylalanine 140 retained).
Molecular consequence: synonymous variant.
Genome position (GRCh38, 1-based): chr3:46,859,536, G>A on the plus strand (C>T on the coding strand, the complement: MYL3 is on the minus strand). VCF-style: chr3-46859536-G-A. GRCh37 (hg19) VCF-style: chr3-46901026-G-A.
Identifiers: ClinVar variation 227622 (VCV000227622.24), dbSNP rs201138698, ClinGen allele CA044119.

ClinVar aggregate classification (germline): Likely benign. Review status: criteria provided, multiple submitters, no conflicts (2 of 4 stars). 9 submissions from 9 submitters: Likely benign (8). 1 of the submissions does not count toward it. Last evaluated 2025-09-15.

Conditions:
MYL3-related disorder. Also called: MYL3-related condition.
Cardiomyopathy (CMYO). Also called: Cardiomyopathies. Identifiers: Orphanet 167848, MedGen C0878544, MONDO:0004994, HP:0001638. Inheritance: Various modes of inheritance.
Cardiovascular phenotype. Identifiers: MedGen CN230736.
Hypertrophic cardiomyopathy. Also called: HYPERTROPHIC MYOCARDIOPATHY. Identifiers: Orphanet 217569, MedGen C0007194, MeSH D002312, MONDO:0005045, HP:0001639.

Allele frequency attached by ClinVar (database versions not stated): ExAC 0.00004; gnomAD exomes 0.00004; gnomAD 0.00006 and 0.00008; TOPMed 0.00006; 1000 Genomes Project 0.00060; 1000 Genomes Project 30x 0.00078.
gnomAD v4.1: 78 of 1,614,182 alleles (0.0048%); highest among the groups gnomAD compares: African/African-American, 0.0067%; no homozygotes.

Submissions (9):

Labcorp Genetics (formerly Invitae), Labcorp
Classification: Likely benign for Hypertrophic cardiomyopathy. Last evaluated: 2025-09-15. Review status: criteria provided, single submitter. Criteria: Invitae Variant Classification Sherloc (09022015). Collection method: clinical testing. Allele origin: germline.

Blueprint Genetics
Classification: Likely benign. Last evaluated: 2024-03-05. Review status: criteria provided, single submitter. Criteria: ACMG Guidelines, 2015. Collection method: clinical testing. Allele origin: germline.

All of Us Research Program, National Institutes of Health
Classification: Likely benign for Hypertrophic cardiomyopathy. Last evaluated: 2023-12-01. Review status: criteria provided, single submitter. Criteria: ACMG Guidelines, 2015. Collection method: clinical testing. Allele origin: germline. Inheritance: Autosomal dominant inheritance. Observed: 21 variant alleles, 21 heterozygotes.
Comment: This study involves interpretation of variants in research participants for the purpose of population health screening. Participant phenotype was not available at the time of variant classification. Additional details can be found in publication PMID: 35346344, PMCID: PMC8962531

CHEO Genetics Diagnostic Laboratory, Children's Hospital of Eastern Ontario
Classification: Likely benign for Cardiomyopathy. Last evaluated: 2023-05-26. Review status: criteria provided, single submitter. Criteria: ACMG Guidelines, 2015. Collection method: clinical testing. Allele origin: germline.

Ambry Genetics
Classification: Likely benign for Cardiovascular phenotype. Last evaluated: 2020-06-29. Review status: criteria provided, single submitter. Criteria: Ambry Variant Classification Scheme 2023. Collection method: clinical testing. Allele origin: germline.

GeneDx
Classification: Likely benign. Last evaluated: 2019-08-26. Review status: criteria provided, single submitter. Criteria: GeneDx Variant Classification Process June 2021. Collection method: clinical testing. Allele origin: germline. Affected: yes.
Comment: This variant is associated with the following publications: (PMID: 12404107)

Color Diagnostics, LLC DBA Color Health
Classification: Likely benign for Cardiomyopathy. Last evaluated: 2018-10-22. Review status: criteria provided, single submitter. Criteria: ACMG Guidelines, 2015. Collection method: clinical testing. Allele origin: germline.

Laboratory for Molecular Medicine, Mass General Brigham Personalized Medicine
Classification: Likely benign. Last evaluated: 2015-08-05. Review status: criteria provided, single submitter. Criteria: LMM Criteria. Collection method: clinical testing. Allele origin: germline. Observed: 1 variant allele.
Comment: p.Phe140Phe in exon 4 of MYL3: This variant is not expected to have clinical sig nificance because it does not alter an amino acid residue and is not located wit hin the splice consensus sequence. It has been identified in 2/66738 European ch romosomes, 2/10406 African chromosomes, and 1/8654 chromosomes by the Exome Aggr egation Consortium (ExAC; dbSNP rs201138698).

PreventionGenetics, part of Exact Sciences
Classification: Likely benign for MYL3-related condition. Last evaluated: 2020-01-31. Review status: no assertion criteria provided. Collection method: clinical testing. Allele origin: germline. Not counted in ClinVar's aggregate classification.
Comment: This variant is classified as likely benign based on ACMG/AMP sequence variant interpretation guidelines (Richards et al. 2015 PMID: 25741868, with internal and published modifications).